The following is an entry in ClinVar:

NM_004993.6(ATXN3):c.891_905dup (p.Gln305_Gly306insGlnGlnGlnGlnGln)

Genes: ATXN3 (ataxin 3; minus strand), LOC108663987 (ataxin 3 repeat instability region; plus strand). Cytogenetic location: 14q32.12.
Variant type: Duplication.
Coding change: c.891_905dup on transcript NM_004993.6 (MANE Select); coding-DNA positions 891 to 905, 15 bases duplicated (ACAGCAGCAGCAGCA).
Protein change: p.Gln305_Gly306insGlnGlnGlnGlnGln.
Molecular consequence: inframe indel (on NM_001164775.1). On other transcripts: non-coding transcript variant (21).
Genome position (GRCh38, 1-based): chr14:92,071,021-92,071,035, TGCTGCTGCTGCTGT duplicated on the plus strand (ACAGCAGCAGCAGCA on the coding strand, the reverse complement: ATXN3 is on the minus strand); duplicating any 15 consecutive bases within chr14:92,071,021-92,071,042 gives the same sequence; the c. name uses the placement nearest the transcript's 3' end. VCF-style (leftmost placement, unchanged base first): chr14-92071020-C-CTGCTGCTGCTGCTGT. GRCh37 (hg19) VCF-style: chr14-92537364-C-CTGCTGCTGCTGCTGT.
Other names: c.846_860dup, p.Gln290_Gly291insGlnGlnGlnGlnGln (NM_001127696.2); c.738_752dup, p.Gln254_Gly255insGlnGlnGlnGlnGln (NM_001127697.3); c.208_222dup, p.Ala74_Ala75insThrAlaAlaAlaAla (NM_001164774.2); c.161_175dup, p.Gln64_Gly65insGlnGlnGlnGlnGln (NM_001164775.1); c.253_267dup, p.Ala89_Ala90insThrAlaAlaAlaAla (NM_001164776.2); c.88_102dup, p.Ala34_Ala35insThrAlaAlaAlaAla (NM_001164777.2); c.406_420dup, p.Ala140_Ala141insThrAlaAlaAlaAla (NM_001164778.2); c.528_542dup, p.Gln184_Gly185insGlnGlnGlnGlnGln (NM_001164779.2); and 5 more.
Identifiers: ClinVar variation 3044058 (VCV003044058.2), dbSNP rs1555397115, ClinGen allele CA7314423.
Genomic context (GRCh38, chr14:92,071,020, plus strand): 5'-ACTGGTGGCTGGCCTTTCACATGGATGTGAACTCTGTCCTGATAGGTCCCCCTGCTGCTG[C>CTGCTGCTGCTGCTGT]TGCTGCTGCTGCTGTTGCTGCTTTTGCTGCTGTCTGAAACATTCAAAAGTGAAGTATATT-3'

ClinVar aggregate classification (germline): Benign (0 of 4 stars; one submission).

Conditions:
ATXN3-related disorder. Also called: ATXN3-related condition.

Submission:

PreventionGenetics, part of Exact Sciences
Classification: Benign for ATXN3-related condition. Last evaluated: 2019-10-31. Review status: no assertion criteria provided. Collection method: clinical testing. Allele origin: germline.
Comment: This variant is classified as benign based on ACMG/AMP sequence variant interpretation guidelines (Richards et al. 2015 PMID: 25741868, with internal and published modifications).